The following is an entry in ClinVar:

NM_000553.6(WRN):c.47C>T (p.Pro16Leu)

Gene: WRN (WRN RecQ like helicase; plus strand). Cytogenetic location: 8p12.
Variant type: single nucleotide variant.
Coding change: c.47C>T on transcript NM_000553.6 (MANE Select); coding-DNA position 47, C replaced by T.
Protein change: p.Pro16Leu; replaces proline 16 with leucine.
Molecular consequence: missense variant.
Genome position (GRCh38, 1-based): chr8:31,058,494, C>T. VCF-style: chr8-31058494-C-T. GRCh37 (hg19) VCF-style: chr8-30916010-C-T.
Other names: short protein forms P16L.
Identifiers: ClinVar variation 967641 (VCV000967641.5), dbSNP rs1273920483, ClinGen allele CA370912137.

ClinVar aggregate classification (germline): Uncertain significance (1 of 4 stars; one submission).

Conditions:
Werner syndrome (WRN). Identifiers: Orphanet 902, MedGen C0043119, MONDO:0010196, OMIM 277700.

Allele frequency attached by ClinVar (database versions not stated): gnomAD exomes below 0.00001.
gnomAD v4.1: 2 of 1,613,732 alleles (0.00012%); highest among the groups gnomAD compares: Non-Finnish European, 0.00017%; no homozygotes.

Submission:

Labcorp Genetics (formerly Invitae), Labcorp
Classification: Uncertain significance for Werner syndrome. Last evaluated: 2019-10-15. Review status: criteria provided, single submitter. Criteria: Invitae Variant Classification Sherloc (09022015). Collection method: clinical testing. Allele origin: germline.
Comment: In summary, the available evidence is currently insufficient to determine the role of this variant in disease. Therefore, it has been classified as a Variant of Uncertain Significance. Algorithms developed to predict the effect of missense changes on protein structure and function are either unavailable or do not agree on the potential impact of this missense change (SIFT: "Deleterious"; PolyPhen-2: "Probably Damaging"; Align-GVGD: "Class C0"). This variant has not been reported in the literature in individuals with WRN-related conditions. This variant is not present in population databases (ExAC no frequency). This sequence change replaces proline with leucine at codon 16 of the WRN protein (p.Pro16Leu). The proline residue is highly conserved and there is a moderate physicochemical difference between proline and leucine.